The following is an entry in ClinVar:

NM_004855.5(PIGB):c.847-10A>G

Gene: PIGB (phosphatidylinositol glycan anchor biosynthesis class B; plus strand). Cytogenetic location: 15q21.3.
Variant type: single nucleotide variant.
Coding change: c.847-10A>G on transcript NM_004855.5 (MANE Select); 10 bases into the intron before coding-DNA position 847, A replaced by G.
Molecular consequence: intron variant.
Genome position (GRCh38, 1-based): chr15:55,340,602, A>G. VCF-style: chr15-55340602-A-G. GRCh37 (hg19) VCF-style: chr15-55632800-A-G.
Other names: IVS7AS, A-G, -10.
Identifiers: ClinVar variation 689519 (VCV000689519.13), dbSNP rs779296101, ClinGen allele CA7573956.

ClinVar aggregate classification (germline): Pathogenic. Review status: criteria provided, multiple submitters, no conflicts (2 of 4 stars). 6 submissions from 6 submitters: Pathogenic (5). 1 of the submissions does not count toward it. Last evaluated 2025-10-20.

Conditions:
Developmental and epileptic encephalopathy, 80. Also called: EPILEPTIC ENCEPHALOPATHY, EARLY INFANTILE, 80; GLYCOSYLPHOSPHATIDYLINOSITOL BIOSYNTHESIS DEFECT 20. Identifiers: MedGen C5231418, MONDO:0032822, OMIM 618580.

Allele frequency attached by ClinVar (database versions not stated): gnomAD 0.00001 and below 0.00001; TOPMed 0.00001; gnomAD exomes 0.00007 and 0.00005; ExAC 0.00016.
gnomAD v4.1: 65 of 1,592,050 alleles (0.0041%); highest among the groups gnomAD compares: South Asian, 0.051%; no homozygotes.

Submissions (6):

Variantyx, Inc.
Classification: Pathogenic for Developmental and epileptic encephalopathy, 80. Last evaluated: 2025-10-20. Review status: criteria provided, single submitter. Criteria: Variantyx Assertion Criteria 2022. Collection method: clinical testing. Allele origin: germline. Inheritance: Autosomal recessive inheritance. Affected: yes.
Comment: This is an intronic variant in the PIGB gene (OMIM: 604122). Pathogenic variants in this gene have been associated with autosomal recessive developmental and epileptic encephalopathy 80. This splicing variant is expected to result in loss of function, which is a known disease mechanism for PIGB in this disorder (PMID: 31256876, 32123317) (PVS1). This variant has a 0.0507% maximum allele frequency in non-founder control populations (PM2). Algorithms that predict the potential impact of sequence variants on RNA splicing suggest that this variant has conflicting evidence regarding the effect on splicing. Based on the current evidence, this variant is classified as pathogenic for autosomal recessive developmental and epileptic encephalopathy 80.

Labcorp Genetics (formerly Invitae), Labcorp
Classification: Pathogenic. Last evaluated: 2024-01-07. Review status: criteria provided, single submitter. Criteria: Invitae Variant Classification Sherloc (09022015). Collection method: clinical testing. Allele origin: germline.
Comment: This sequence change falls in intron 7 of the PIGB gene. It does not directly change the encoded amino acid sequence of the PIGB protein. RNA analysis indicates that this variant induces altered splicing and likely results in the gain of 3 amino acid residue(s), but is expected to preserve the integrity of the reading-frame. This variant is present in population databases (rs779296101, gnomAD 0.05%). This variant has been observed in individual(s) with PIGB-related conditions (PMID: 31256876). It has also been observed to segregate with disease in related individuals. ClinVar contains an entry for this variant (Variation ID: 689519). Studies have shown that this variant alters PIGB gene expression (PMID: 31256876, 32123317). Studies have shown that this variant results in the activation of a cryptic splice site in intron 7 (PMID: 31256876). For these reasons, this variant has been classified as Pathogenic.

Institute of Medical Genetics and Genomics, Sir Ganga Ram Hospital
Classification: Pathogenic for Developmental and epileptic encephalopathy, 80. Last evaluated: 2023-10-23. Review status: criteria provided, single submitter. Criteria: ACMG Guidelines, 2015. Collection method: clinical testing. Allele origin: germline. Inheritance: Autosomal recessive inheritance. Affected: yes. Observed: 1 homozygote.
Comment: Microanalysis: normal. This change present in gnomAD database with an allele frequency of 0.0065% [PM2]. To our knowledge there are no homozygotes in gnomAd database for this variant. Insilico prediction [SpliceAI, dbscSNV] predicts a splice-altering nature of this variant [PP3]. A clinvar entry [Variation ID: 689519] for this variant is available with a “Pathogenic” interpretation by multiple submitter. Based on the clinical correlation and available evidence, this variant is classified as "Pathogenic"

Baylor Genetics
Classification: Pathogenic for Developmental and epileptic encephalopathy, 80. Last evaluated: 2023-07-27. Review status: criteria provided, single submitter. Criteria: ACMG Guidelines, 2015. Collection method: clinical testing. Allele origin: unknown.

Genetics and Molecular Pathology, SA Pathology
Classification: Pathogenic for Developmental and epileptic encephalopathy, 80. Last evaluated: 2021-11-03. Review status: criteria provided, single submitter. Criteria: ACMG Guidelines, 2015. Collection method: clinical testing. Allele origin: germline. Inheritance: Autosomal recessive inheritance. Affected: yes.
Comment: The PIGB c.847-10A>G variant is classified as PATHOGENIC (PS4, PVS1) The PIGB c.847-10A>G is a single nucleotide change located in intron 7 of the gene. Studies have demonstrated that this variant introduces a new acceptor site and results in no wild-type mRNA being expressed (PMID:31256876). This variant has been previously reported in a homozygous state in affected individuals from multiple families with glycosylphosphatidylinositol deficiency (PMID:31256876) (PS4). This variant is in dbSNP (rs779296101) but is rare in population databases (gnomAD 1/152128 alleles). This variant has been reported in ClinVar as pathogenic for developmental and epileptic encephalopathy 80 by another diagnostic laboratory (Variation ID:689519). It is also reported as damaging in the disease database HGMD (CS1915182).

OMIM
Classification: Pathogenic for DEVELOPMENTAL AND EPILEPTIC ENCEPHALOPATHY 80. Last evaluated: 2026-08-17. Review status: no assertion criteria provided. Collection method: literature only. Allele origin: germline. Not counted in ClinVar's aggregate classification.

Literature cited by the submitters: PubMed 31256876 (cited by 5 submitters); PubMed 32123317 (cited by Variantyx, Inc. and Labcorp Genetics (formerly Invitae), Labcorp); PubMed 38456468 (cited by Variantyx, Inc.); PubMed 38605122 (cited by Variantyx, Inc.).